The following is an entry in ClinVar:

NM_001112741.2(KCNC1):c.1421C>A (p.Ser474Tyr)

Gene: KCNC1 (potassium voltage-gated channel subfamily C member 1; plus strand). Cytogenetic location: 11p15.1.
Variant type: single nucleotide variant.
Coding change: c.1421C>A on transcript NM_001112741.2 (MANE Select); coding-DNA position 1421, C replaced by A.
Protein change: p.Ser474Tyr; replaces serine 474 with tyrosine.
Molecular consequence: missense variant.
Genome position (GRCh38, 1-based): chr11:17,772,515, C>A. VCF-style: chr11-17772515-C-A. GRCh37 (hg19) VCF-style: chr11-17794062-C-A.
Other names: c.1421C>A, p.Ser474Tyr (NM_004976.4); short protein forms S474Y.
Identifiers: ClinVar variation 475349 (VCV000475349.9), dbSNP rs1554991422, ClinGen allele CA379810124.

ClinVar aggregate classification (germline): Uncertain significance (1 of 4 stars; one submission).

Conditions:
Progressive myoclonic epilepsy type 7. Identifiers: Orphanet 435438, MedGen C4015420, MONDO:0014521, OMIM 616187.

gnomAD v4.1: 2 of 1,614,224 alleles (0.00012%); highest among the groups gnomAD compares: Non-Finnish European, 0.00017%; no homozygotes.

Submission:

Labcorp Genetics (formerly Invitae), Labcorp
Classification: Uncertain significance for Progressive myoclonic epilepsy type 7. Last evaluated: 2017-03-09. Review status: criteria provided, single submitter. Criteria: Invitae Variant Classification Sherloc (09022015). Collection method: clinical testing. Allele origin: germline.
Comment: This sequence change replaces serine with tyrosine at codon 474 of the KCNC1 protein (p.Ser474Tyr). The serine residue is highly conserved and there is a large physicochemical difference between serine and tyrosine. This variant is not present in population databases (ExAC no frequency) and has not been reported in the literature in individuals with a KCNC1-related disease. Algorithms developed to predict the effect of missense changes on protein structure and function do not agree on the potential impact of this missense change (SIFT: "Tolerated"; PolyPhen-2: "Possibly Damaging"; Align-GVGD: "Class C0"). In summary, this variant is a novel missense change with uncertain impact on protein function. It has been classified as a Variant of Uncertain Significance.